The following is an entry in ClinVar:

NM_002069.6(GNAI1):c.1058del (p.Leu353fs)

Gene: GNAI1 (G protein subunit alpha i1; plus strand). Cytogenetic location: 7q21.11.
Variant type: Deletion.
Coding change: c.1058del on transcript NM_002069.6 (MANE Select); coding-DNA position 1058, one base deleted (T; older notation c.1058delT).
Protein change: p.Leu353fs; shifts the reading frame from leucine 353.
Molecular consequence: frameshift variant.
Genome position (GRCh38, 1-based): chr7:80,217,486, T deleted. VCF-style (leftmost placement, unchanged base first): chr7-80217485-CT-C. GRCh37 (hg19) VCF-style: chr7-79846801-CT-C.
Other names: c.902del, p.Leu301fs (NM_001256414.2); short protein forms L301fs, L353fs.
Identifiers: ClinVar variation 5018096 (VCV005018096.1).

ClinVar aggregate classification (germline): Uncertain significance (1 of 4 stars; one submission).

Submission:

GeneDx
Classification: Uncertain significance. Last evaluated: 2026-04-07. Review status: criteria provided, single submitter. Criteria: GeneDx Variant Classification Process June 2021. Collection method: clinical testing. Allele origin: germline.
Comment: Not observed at significant frequency in large population cohorts (gnomAD); Frameshift variant predicted to result in abnormal protein length as the last 2 amino acid(s) are replaced with 8 different amino acid(s); Has not been previously published as pathogenic or benign to our knowledge